The following is an entry in ClinVar:

ClinVar aggregate classification (germline): Uncertain significance. Review status: criteria provided, multiple submitters, no conflicts (2 of 4 stars). 2 submissions from 2 submitters: Uncertain significance (2). Last evaluated 2025-05-23.

gnomAD v4.1: 4 of 1,611,692 alleles (0.00025%); highest among the groups gnomAD compares: East Asian, 0.0089%; no homozygotes.

Submissions (2):

Ambry Genetics
Classification: Uncertain significance. Last evaluated: 2025-05-23. Review status: criteria provided, single submitter. Criteria: Ambry Variant Classification Scheme 2023. Collection method: clinical testing. Allele origin: germline.
Comment: The p.I452M variant (also known as c.1356C>G), located in coding exon 12 of the GEN1 gene, results from a C to G substitution at nucleotide position 1356. The isoleucine at codon 452 is replaced by methionine, an amino acid with highly similar properties. This amino acid position is conserved. In addition, this alteration is predicted to be tolerated by in silico analysis. Based on the available evidence, the clinical significance of this variant remains unclear.

Labcorp Genetics (formerly Invitae), Labcorp
Classification: Uncertain significance. Last evaluated: 2024-02-22. Review status: criteria provided, single submitter. Criteria: Invitae Variant Classification Sherloc (09022015). Collection method: clinical testing. Allele origin: germline.
Comment: This sequence change replaces isoleucine, which is neutral and non-polar, with methionine, which is neutral and non-polar, at codon 452 of the GEN1 protein (p.Ile452Met). This variant is present in population databases (rs772523095, gnomAD 0.02%). This variant has not been reported in the literature in individuals affected with GEN1-related conditions. An algorithm developed to predict the effect of missense changes on protein structure and function (PolyPhen-2) suggests that this variant is likely to be disruptive. In summary, the available evidence is currently insufficient to determine the role of this variant in disease. Therefore, it has been classified as a Variant of Uncertain Significance.

NM_001130009.3(GEN1):c.1356C>G (p.Ile452Met)

Gene: GEN1 (GEN1 structure-specific endonuclease; plus strand). Cytogenetic location: 2p24.2.
Variant type: single nucleotide variant.
Coding change: c.1356C>G on transcript NM_001130009.3 (MANE Select); coding-DNA position 1356, C replaced by G.
Protein change: p.Ile452Met; replaces isoleucine 452 with methionine.
Molecular consequence: missense variant.
Genome position (GRCh38, 1-based): chr2:17,780,069, C>G. VCF-style: chr2-17780069-C-G. GRCh37 (hg19) VCF-style: chr2-17961336-C-G.
Other names: c.1356C>G (NM_001130009.1); c.1356C>G, p.Ile452Met (NM_182625.5); short protein forms I452M.
Identifiers: ClinVar variation 2883891 (VCV002883891.5), dbSNP rs772523095, ClinGen allele CA1540746.